The following is an entry in ClinVar:

NM_005560.6(LAMA5):c.9931A>C (p.Thr3311Pro)

Gene: LAMA5 (laminin subunit alpha 5; minus strand). Cytogenetic location: 20q13.33.
Variant type: single nucleotide variant.
Coding change: c.9931A>C on transcript NM_005560.6 (MANE Select); coding-DNA position 9931, A replaced by C.
Protein change: p.Thr3311Pro; replaces threonine 3311 with proline.
Molecular consequence: missense variant.
Genome position (GRCh38, 1-based): chr20:62,311,412, T>G on the plus strand (A>C on the coding strand, the complement: LAMA5 is on the minus strand). VCF-style: chr20-62311412-T-G. GRCh37 (hg19) VCF-style: chr20-60886468-T-G.
Other names: short protein forms T3311P.
Identifiers: ClinVar variation 4994146 (VCV004994146.1).

ClinVar aggregate classification (germline): Uncertain significance (1 of 4 stars; one submission).

Conditions:
LAMA5-related disorder. Also called: LAMA5-related condition; LAMA5-Related Disorders.

Submission:

PreventionGenetics, part of Exact Sciences
Classification: Uncertain significance for LAMA5-related condition. Last evaluated: 2026-09-11. Review status: criteria provided, single submitter. Criteria: ACMG Guidelines, 2015. Collection method: clinical testing. Allele origin: germline.
Comment: The LAMA5 c.9931A>C variant is predicted to result in the amino acid substitution p.Thr3311Pro. To our knowledge, this variant has not been reported in the literature or in a large population database (gnomAD), indicating this variant is rare. At this time, the clinical significance of this variant is uncertain due to the absence of conclusive functional and genetic evidence.